The following is an entry in ClinVar:

ClinVar aggregate classification (germline): Uncertain significance. Review status: criteria provided, multiple submitters, no conflicts (2 of 4 stars). 3 submissions from 3 submitters: Uncertain significance (3). Last evaluated 2024-04-25.

Conditions:
Inborn genetic diseases. Identifiers: MedGen C0950123, MeSH D030342.
RYR1-related disorder. Also called: RYR1-related condition; RYR1-related disorders. Identifiers: MedGen CN239331.

Allele frequency attached by ClinVar (database versions not stated): gnomAD 0.00001; TOPMed 0.00001.
gnomAD v4.1: 11 of 1,604,014 alleles (0.00069%); highest among the groups gnomAD compares: Admixed American, 0.005%; no homozygotes.

Submissions (3):

Labcorp Genetics (formerly Invitae), Labcorp
Classification: Uncertain significance for RYR1-related disorder. Last evaluated: 2024-04-25. Review status: criteria provided, single submitter. Criteria: Invitae Variant Classification Sherloc (09022015). Collection method: clinical testing. Allele origin: germline.
Comment: This sequence change replaces arginine, which is basic and polar, with cysteine, which is neutral and slightly polar, at codon 2600 of the RYR1 protein (p.Arg2600Cys). This variant is present in population databases (no rsID available, gnomAD 0.1%). This variant has not been reported in the literature in individuals affected with RYR1-related conditions. ClinVar contains an entry for this variant (Variation ID: 499811). Advanced modeling of protein sequence and biophysical properties (such as structural, functional, and spatial information, amino acid conservation, physicochemical variation, residue mobility, and thermodynamic stability) performed at Invitae indicates that this missense variant is expected to disrupt RYR1 protein function with a positive predictive value of 95%. In summary, the available evidence is currently insufficient to determine the role of this variant in disease. Therefore, it has been classified as a Variant of Uncertain Significance.

Ambry Genetics
Classification: Uncertain significance for Inborn genetic diseases. Last evaluated: 2023-07-05. Review status: criteria provided, single submitter. Criteria: Ambry Variant Classification Scheme 2023. Collection method: clinical testing. Allele origin: germline.

Eurofins Ntd Llc (ga)
Classification: Uncertain significance. Last evaluated: 2017-01-20. Review status: criteria provided, single submitter. Criteria: EGL Classification Definitions 2015. Collection method: clinical testing. Allele origin: germline. Observed: 1 variant allele, 1 heterozygote.

NM_000540.3(RYR1):c.7798C>T (p.Arg2600Cys)

Gene: RYR1 (ryanodine receptor 1; plus strand). Cytogenetic location: 19q13.2.
Variant type: single nucleotide variant.
Coding change: c.7798C>T on transcript NM_000540.3 (MANE Select); coding-DNA position 7798, C replaced by T.
Protein change: p.Arg2600Cys; replaces arginine 2600 with cysteine.
Molecular consequence: missense variant.
Genome position (GRCh38, 1-based): chr19:38,502,690, C>T. VCF-style: chr19-38502690-C-T. GRCh37 (hg19) VCF-style: chr19-38993330-C-T.
Other names: c.7798C>T, p.Arg2600Cys (NM_001042723.2); c.7798C>T (NM_000540.2); short protein forms R2600C.
Identifiers: ClinVar variation 499811 (VCV000499811.8), dbSNP rs1480598842, ClinGen allele CA405672205.